The following is an entry in ClinVar:

ClinVar aggregate classification (germline): Benign. Review status: criteria provided, multiple submitters, no conflicts (2 of 4 stars). 2 submissions from 2 submitters: Benign (2). Last evaluated 2024-07-15.

Submissions (2):

Unidad de Genómica Garrahan, Hospital de Pediatría Garrahan
Classification: Benign. Last evaluated: 2024-07-15. Review status: criteria provided, single submitter. Criteria: ACMG Guidelines, 2015. Collection method: clinical testing. Allele origin: germline. Affected: no. Observed: 33 variant alleles.
Comment: This variant is classified as Benign based on local population frequency. This variant was detected in 35% of patients studied in a panel designed for Epileptic and Developmental Encephalopathy and Progressive Myoclonus Epilepsy. Number of patients: 33. Only high quality variants are reported.

GeneDx
Classification: Benign. Last evaluated: 2018-07-15. Review status: criteria provided, single submitter. Criteria: GeneDx Variant Classification Process June 2021. Collection method: clinical testing. Allele origin: germline. Affected: yes.

NM_004974.4(KCNA2):c.*1045del

Gene: KCNA2 (potassium voltage-gated channel subfamily A member 2; minus strand). Cytogenetic location: 1p13.3.
Variant type: Deletion.
Coding change: c.*1045del on transcript NM_004974.4 (MANE Select); 1045 bases downstream of the stop codon, one base deleted (A; older notation c.*1045delA).
Molecular consequence: 3 prime UTR variant. On other transcripts: intron variant (1).
Genome position (GRCh38, 1-based): chr1:110,602,238, T deleted on the plus strand (A on the coding strand, the reverse complement: KCNA2 is on the minus strand); the first of 8 consecutive T bases (chr1:110,602,238-110,602,245); deleting any one gives the same sequence. VCF-style (leftmost placement, unchanged base first): chr1-110602237-AT-A. GRCh37 (hg19) VCF-style: chr1-111144859-AT-A.
Other names: c.895-68del (NM_001204269.2).
Identifiers: ClinVar variation 1177692 (VCV001177692.4), dbSNP rs75305356, ClinGen allele CA28807764.